The following is an entry in ClinVar:

NM_005633.4(SOS1):c.305C>G (p.Pro102Arg)

Gene: SOS1 (SOS Ras/Rac guanine nucleotide exchange factor 1; minus strand). Cytogenetic location: 2p22.1.
Variant type: single nucleotide variant.
Coding change: c.305C>G on transcript NM_005633.4 (MANE Select); coding-DNA position 305, C replaced by G.
Protein change: p.Pro102Arg; replaces proline 102 with arginine.
Molecular consequence: missense variant.
Genome position (GRCh38, 1-based): chr2:39,058,713, G>C on the plus strand (C>G on the coding strand, the complement: SOS1 is on the minus strand). VCF-style: chr2-39058713-G-C. GRCh37 (hg19) VCF-style: chr2-39285854-G-C.
Other names: c.284C>G, p.Pro95Arg (NM_001382394.1); c.305C>G, p.Pro102Arg (NM_001382395.1); short protein forms P102R, P95R.
Identifiers: ClinVar variation 477721 (VCV000477721.13), dbSNP rs1553362937, ClinGen allele CA346373860.

ClinVar aggregate classification (germline): Pathogenic/Likely pathogenic. Review status: criteria provided, multiple submitters, no conflicts (2 of 4 stars). 3 submissions from 3 submitters: Pathogenic (1); Likely pathogenic (2). Last evaluated 2026-07-28.

Conditions:
Noonan syndrome 4 (NS4). Also called: NOONAN SYNDROME WITH PIGMENTED VILLONODULAR SYNOVITIS; SOS1-Related Noonan Syndrome. Identifiers: Orphanet 648, MedGen C1853120, MONDO:0012547, OMIM 610733.
RASopathy. Also called: rasopathies; Noonan spectrum disorder. Identifiers: Orphanet 536391, MedGen C5555857, MONDO:0021060.

Submissions (3):

GeneDx
Classification: Likely pathogenic. Last evaluated: 2026-07-28. Review status: criteria provided, single submitter. Criteria: GeneDx Variant Classification Process June 2021. Collection method: clinical testing. Allele origin: germline.
Comment: Not observed at significant frequency in large population cohorts (gnomAD); In silico analysis supports that this missense variant has a deleterious effect on protein structure/function; Missense variants in this gene are a common cause of disease and they are underrepresented in the general population; This variant is associated with the following publications: (PMID: 19953625, 24803665, 20461756, 32981126, 35979676, 29493581)

Labcorp Genetics (formerly Invitae), Labcorp
Classification: Pathogenic for RASopathy. Last evaluated: 2025-12-10. Review status: criteria provided, single submitter. Criteria: Invitae Variant Classification Sherloc (09022015). Collection method: clinical testing. Allele origin: germline.
Comment: This sequence change replaces proline, which is neutral and non-polar, with arginine, which is basic and polar, at codon 102 of the SOS1 protein (p.Pro102Arg). This variant is not present in population databases (gnomAD no frequency). This missense change has been observed in individual(s) with clinical features of Noonan syndrome (PMID: 19953625, 32981126). In at least one individual the variant was observed to be de novo. ClinVar contains an entry for this variant (Variation ID: 477721). Invitae Evidence Modeling of protein sequence and biophysical properties (such as structural, functional, and spatial information, amino acid conservation, physicochemical variation, residue mobility, and thermodynamic stability) indicates that this missense variant is expected to disrupt SOS1 protein function with a positive predictive value of 95%. For these reasons, this variant has been classified as Pathogenic.

Genome-Nilou Lab
Classification: Likely pathogenic for Noonan syndrome 4. Review status: criteria provided, single submitter. Criteria: ACMG Guidelines, 2015. Collection method: clinical testing. Allele origin: germline.

Literature cited by the submitters: PubMed 19953625 (cited by Labcorp Genetics (formerly Invitae), Labcorp); PubMed 32981126 (cited by Labcorp Genetics (formerly Invitae), Labcorp).